The following is an entry in ClinVar:

ClinVar aggregate classification (germline): Uncertain significance. Review status: criteria provided, multiple submitters, no conflicts (2 of 4 stars). 4 submissions from 4 submitters: Uncertain significance (3). 1 of the submissions does not count toward it. Last evaluated 2025-03-20.

Conditions:
Nemaline myopathy 2 (NEM2). Also called: Nemaline myopathy 2, autosomal recessive. Identifiers: MedGen C1850569, MONDO:0009725, OMIM 256030.
Inborn genetic diseases. Identifiers: MedGen C0950123, MeSH D030342.

Allele frequency attached by ClinVar (database versions not stated): gnomAD exomes 0.00001 and 0.00002; ExAC 0.00005; gnomAD 0.00007 and 0.00009; TOPMed 0.00013; ESP Exome Variant Server 0.00025.
gnomAD v4.1: 23 of 1,613,776 alleles (0.0014%); highest among the groups gnomAD compares: African/African-American, 0.027%; no homozygotes.

Submissions (4):

GeneDx
Classification: Uncertain significance. Last evaluated: 2025-03-20. Review status: criteria provided, single submitter. Criteria: GeneDx Variant Classification Process June 2021. Collection method: clinical testing. Allele origin: germline. Affected: yes.
Comment: In silico analysis supports that this missense variant has a deleterious effect on protein structure/function; Has not been previously published as pathogenic or benign to our knowledge

Ambry Genetics
Classification: Uncertain significance for Inborn genetic diseases. Last evaluated: 2023-12-20. Review status: criteria provided, single submitter. Criteria: Ambry Variant Classification Scheme 2023. Collection method: clinical testing. Allele origin: germline.

Labcorp Genetics (formerly Invitae), Labcorp
Classification: Uncertain significance for Nemaline myopathy 2. Last evaluated: 2022-08-08. Review status: criteria provided, single submitter. Criteria: Invitae Variant Classification Sherloc (09022015). Collection method: clinical testing. Allele origin: germline.
Comment: This sequence change replaces glycine, which is neutral and non-polar, with alanine, which is neutral and non-polar, at codon 3293 of the NEB protein (p.Gly3293Ala). This variant is present in population databases (rs199890164, gnomAD 0.03%). This variant has not been reported in the literature in individuals affected with NEB-related conditions. ClinVar contains an entry for this variant (Variation ID: 577076). Algorithms developed to predict the effect of missense changes on protein structure and function are either unavailable or do not agree on the potential impact of this missense change (SIFT: "Deleterious"; PolyPhen-2: "Not Available"; Align-GVGD: "Class C0"). In summary, the available evidence is currently insufficient to determine the role of this variant in disease. Therefore, it has been classified as a Variant of Uncertain Significance.

Natera, Inc.
Classification: Uncertain significance for Nemaline myopathy type 2. Last evaluated: 2019-11-11. Review status: no assertion criteria provided. Collection method: clinical testing. Allele origin: germline. Not counted in ClinVar's aggregate classification.

NM_001164508.2(NEB):c.9878G>C (p.Gly3293Ala)

Gene: NEB (nebulin; minus strand). Cytogenetic location: 2q23.3.
Variant type: single nucleotide variant.
Coding change: c.9878G>C on transcript NM_001164508.2 (MANE Select); coding-DNA position 9878, G replaced by C.
Protein change: p.Gly3293Ala; replaces glycine 3293 with alanine.
Molecular consequence: missense variant.
Genome position (GRCh38, 1-based): chr2:151,627,788, C>G on the plus strand (G>C on the coding strand, the complement: NEB is on the minus strand). VCF-style: chr2-151627788-C-G. GRCh37 (hg19) VCF-style: chr2-152484302-C-G.
Other names: c.9149G>C (NM_004543.4); c.9878G>C, p.Gly3293Ala (NM_001164507.2, NM_001271208.2); c.9149G>C, p.Gly3050Ala (NM_004543.5); short protein forms G3293A, G3050A.
Identifiers: ClinVar variation 577076 (VCV000577076.8), dbSNP rs199890164, ClinGen allele CA1909170.